The following is an entry in ClinVar:

ClinVar aggregate classification (germline): Uncertain significance (1 of 4 stars; one submission).

Conditions:
Citrullinemia. Identifiers: Orphanet 187, MedGen C0175683, MONDO:0015991.

Allele frequency attached by ClinVar (database versions not stated): TOPMed 0.00002.
gnomAD v4.1: 48 of 1,614,108 alleles (0.003%); highest among the groups gnomAD compares: Non-Finnish European, 0.004%; no homozygotes.

Submission:

Labcorp Genetics (formerly Invitae), Labcorp
Classification: Uncertain significance for Citrullinemia. Last evaluated: 2022-05-04. Review status: criteria provided, single submitter. Criteria: Invitae Variant Classification Sherloc (09022015). Collection method: clinical testing. Allele origin: germline.
Comment: This sequence change replaces serine, which is neutral and polar, with alanine, which is neutral and non-polar, at codon 6 of the ASS1 protein (p.Ser6Ala). This variant is present in population databases (rs757913342, gnomAD 0.006%). This variant has not been reported in the literature in individuals affected with ASS1-related conditions. Algorithms developed to predict the effect of missense changes on protein structure and function (SIFT, PolyPhen-2, Align-GVGD) all suggest that this variant is likely to be tolerated. In summary, the available evidence is currently insufficient to determine the role of this variant in disease. Therefore, it has been classified as a Variant of Uncertain Significance.

NM_054012.4(ASS1):c.16T>G (p.Ser6Ala)

Gene: ASS1 (argininosuccinate synthase 1; plus strand). Cytogenetic location: 9q34.11.
Variant type: single nucleotide variant.
Coding change: c.16T>G on transcript NM_054012.4 (MANE Select); coding-DNA position 16, T replaced by G.
Protein change: p.Ser6Ala; replaces serine 6 with alanine.
Molecular consequence: missense variant.
Genome position (GRCh38, 1-based): chr9:130,452,244, T>G. VCF-style: chr9-130452244-T-G. GRCh37 (hg19) VCF-style: chr9-133327631-T-G.
Other names: c.16T>G, p.Ser6Ala (NM_000050.4); short protein forms S6A.
Identifiers: ClinVar variation 2177407 (VCV002177407.1), dbSNP rs757913342, ClinGen allele CA5283124.